The following is an entry in ClinVar:

NM_007294.4(BRCA1):c.1786C>G (p.Leu596Val)

Gene: BRCA1 (BRCA1 DNA repair associated; minus strand). Cytogenetic location: 17q21.31.
Variant type: single nucleotide variant.
Coding change: c.1786C>G on transcript NM_007294.4 (MANE Select); coding-DNA position 1786, C replaced by G.
Protein change: p.Leu596Val; replaces leucine 596 with valine.
Molecular consequence: missense variant. On other transcripts: intron variant (137).
Genome position (GRCh38, 1-based): chr17:43,093,745, G>C on the plus strand (C>G on the coding strand, the complement: BRCA1 is on the minus strand). VCF-style: chr17-43093745-G-C. GRCh37 (hg19) VCF-style: chr17-41245762-G-C.
Other names: c.646+999C>G (NM_001408454.1, NM_001408456.1, NM_001408410.1 and 11 more transcripts); c.706+999C>G (NM_001408413.1, NM_001408416.1); c.586+999C>G (NM_001408476.1, NM_001408474.1); c.709+999C>G (NM_001408409.1, NM_001408414.1, NM_001408411.1 and 2 more transcripts); c.574+999C>G (NM_001408493.1, NM_001408490.1, NM_001408491.1); c.454+999C>G (NM_001408502.1); c.577+999C>G (NM_001408489.1, NM_001408479.1, NM_001408482.1 and 9 more transcripts); c.661+999C>G (NM_001408445.1, NM_001408432.1, NM_001408450.1 and 6 more transcripts); and 40 more; short protein forms L596V, L549V, L428V, L525V, L555V, L570V, L300V, L468V.
Identifiers: ClinVar variation 54347 (VCV000054347.27), dbSNP rs80357371, ClinGen allele CA001158.

ClinVar aggregate classification (germline): Conflicting classifications of pathogenicity. Review status: criteria provided, conflicting classifications (1 of 4 stars). 7 submissions from 7 submitters: Uncertain significance (5); Likely benign (1). 1 of the submissions does not count toward it. Last evaluated 2025-09-24.

Conditions:
Hereditary cancer-predisposing syndrome. Also called: Tumor predisposition; Neoplastic Syndromes, Hereditary; Hereditary Cancer Syndrome; Hereditary neoplastic syndrome. Identifiers: Orphanet 140162, MedGen C0027672, MeSH D009386, MONDO:0015356.
Hereditary breast ovarian cancer syndrome. Also called: Hereditary breast and ovarian cancer syndrome (HBOC); Hereditary breast and ovarian cancer syndrome; Hereditary breast and ovarian cancer; Hereditary breast and/or ovarian cancer syndrome; Breast and ovarian cancer; BRCA1- and BRCA2-Associated Hereditary Breast and Ovarian Cancer. Identifiers: Orphanet 145, MedGen C0677776, MeSH D061325, MONDO:0003582. Disease mechanism: loss of function.
Breast-ovarian cancer, familial, susceptibility to, 1 (BROVCA1). Also called: OVARIAN CANCER, SUSCEPTIBILITY TO; BRCA1 Hereditary Breast and Ovarian Cancer. Identifiers: Orphanet 145, MedGen C2676676, MONDO:0011450, OMIM 604370. Disease mechanism: loss of function.

gnomAD v4.1: 4 of 1,613,926 alleles (0.00025%); highest among the groups gnomAD compares: Non-Finnish European, 0.00034%; no homozygotes.

Submissions (7):

Ambry Genetics
Classification: Uncertain significance for Hereditary cancer-predisposing syndrome. Last evaluated: 2025-09-24. Review status: criteria provided, single submitter. Criteria: Ambry Variant Classification Scheme 2023. Collection method: clinical testing. Allele origin: germline.
Comment: The p.L596V variant (also known as c.1786C>G), located in coding exon 9 of the BRCA1 gene, results from a C to G substitution at nucleotide position 1786. The leucine at codon 596 is replaced by valine, an amino acid with highly similar properties. This amino acid position is not well conserved in available vertebrate species. In addition, the in silico prediction for this alteration is inconclusive. Since supporting evidence is limited at this time, the clinical significance of this alteration remains unclear.

Labcorp Genetics (formerly Invitae), Labcorp
Classification: Uncertain significance for Hereditary breast ovarian cancer syndrome. Last evaluated: 2025-08-14. Review status: criteria provided, single submitter. Criteria: Invitae Variant Classification Sherloc (09022015). Collection method: clinical testing. Allele origin: germline.
Comment: This sequence change replaces leucine, which is neutral and non-polar, with valine, which is neutral and non-polar, at codon 596 of the BRCA1 protein (p.Leu596Val). This variant is present in population databases (rs80357371, gnomAD 0.002%). This variant has not been reported in the literature in individuals affected with BRCA1-related conditions. ClinVar contains an entry for this variant (Variation ID: 54347). Invitae Evidence Modeling of protein sequence and biophysical properties (such as structural, functional, and spatial information, amino acid conservation, physicochemical variation, residue mobility, and thermodynamic stability) indicates that this missense variant is not expected to disrupt BRCA1 protein function with a negative predictive value of 80%. In summary, the available evidence is currently insufficient to determine the role of this variant in disease. Therefore, it has been classified as a Variant of Uncertain Significance.

Color Diagnostics, LLC DBA Color Health
Classification: Uncertain significance for Hereditary cancer-predisposing syndrome. Last evaluated: 2025-06-02. Review status: criteria provided, single submitter. Criteria: ACMG Guidelines, 2015. Collection method: clinical testing. Allele origin: germline.
Comment: This missense variant replaces leucine with valine at codon 596 of the BRCA1 protein. Computational prediction is inconclusive regarding the impact of this variant on protein structure and function. To our knowledge, functional studies have not been reported for this variant. A multifactorial analysis reported likelihood ratios for pathogenicity based on on tumor pathology, segregation and family history of 0.4, 0.9986 and 1.2796, respectively (PMID: 31131967). This variant has been identified in 2/251094 chromosomes in the general population by the Genome Aggregation Database (gnomAD). The available evidence is insufficient to determine the role of this variant in disease conclusively. Therefore, this variant is classified as a Variant of Uncertain Significance.

All of Us Research Program, National Institutes of Health
Classification: Uncertain significance for Breast-ovarian cancer, familial, susceptibility to, 1. Last evaluated: 2023-10-02. Review status: criteria provided, single submitter. Criteria: ACMG Guidelines, 2015. Collection method: clinical testing. Allele origin: germline. Inheritance: Autosomal dominant inheritance. Observed: 3 variant alleles, 3 heterozygotes.
Comment: This missense variant replaces leucine with valine at codon 596 of the BRCA1 protein. Computational prediction is inconclusive regarding the impact of this variant on protein structure and function (internally defined REVEL score threshold 0.5 < inconclusive < 0.7, PMID: 27666373). To our knowledge, functional studies have not been reported for this variant. This variant has been reported in a multifactorial analysis that provided likelihood ratios on tumor pathology, segregation and family history of 0.4, 0.9986 and 1.2796, respectively (PMID: 31131967). This variant has been identified in 2/251094 chromosomes in the general population by the Genome Aggregation Database (gnomAD). The available evidence is insufficient to determine the role of this variant in disease conclusively. Therefore, this variant is classified as a Variant of Uncertain Significance.

This study involves interpretation of variants in research participants for the purpose of population health screening. Participant phenotype was not available at the time of variant classification. Additional details can be found in publication PMID: 35346344, PMCID: PMC8962531

University of Washington Department of Laboratory Medicine, University of Washington
Classification: Likely benign for Hereditary cancer-predisposing syndrome. Last evaluated: 2023-03-23. Review status: criteria provided, single submitter. Criteria: Dines et al. (Genet Med. 2020). Collection method: curation. Allele origin: germline.
Comment: Missense variant in a coldspot region where missense variants are very unlikely to be pathogenic (PMID:31911673).

BRCA1 coldspot (exon 11 using historical exon numbering). Reclassification based on statistical prior probability

Women's Health and Genetics/Laboratory Corporation of America, LabCorp
Classification: Uncertain significance. Last evaluated: 2022-05-02. Review status: criteria provided, single submitter. Criteria: LabCorp Variant Classification Summary - May 2015. Collection method: clinical testing. Allele origin: germline.
Comment: Variant summary: BRCA1 c.1786C>G (p.Leu596Val) results in a conservative amino acid change in the encoded protein sequence. Five of five in-silico tools predict a benign effect of the variant on protein function. The variant allele was found at a frequency of 8e-06 in 251094 control chromosomes (gnomAD). The available data on variant occurrences in the general population are insufficient to allow any conclusion about variant significance. c.1786C>G has been reported in the literature in individual(s) affected with Hereditary Breast And Ovarian Cancer Syndrome (Judkins_2005). These reports do not provide unequivocal conclusions about association of the variant with Hereditary Breast And Ovarian Cancer Syndrome. To our knowledge, no experimental evidence demonstrating an impact on protein function has been reported. The variant was analyzed via multifactorial analysis which concluded there was insufficient data to assign an IARC classification (Parsons_2019). Three ClinVar submitters have assessed the variant since 2014: all have classified the variant as of uncertain significance. Based on the evidence outlined above, the variant was classified as uncertain significance.

Breast Cancer Information Core (BIC) (BRCA1)
Classification: Uncertain significance for Breast-ovarian cancer, familial 1. Last evaluated: 2004-11-25. Review status: no assertion criteria provided. Collection method: clinical testing. Allele origin: germline. Affected: yes. Observed: 1 variant allele. Not counted in ClinVar's aggregate classification.

Literature cited by the submitters: PubMed 31131967 (cited by 3 submitters); PubMed 16267036 (cited by Women's Health and Genetics/Laboratory Corporation of America, LabCorp).